The following is an entry in ClinVar:

ClinVar aggregate classification (germline): Likely benign (0 of 4 stars; one submission).

Conditions:
SLC22A25-related disorder. Also called: SLC22A25-related condition.

Allele frequency attached by ClinVar (database versions not stated): ESP Exome Variant Server 0.00008; gnomAD exomes 0.00065; TOPMed 0.00106; gnomAD 0.00117; ExAC 0.00139; 1000 Genomes Project 30x 0.00344; 1000 Genomes Project 0.00379.
gnomAD v4.1: 1,153 of 1,614,124 alleles (0.071%); highest among the groups gnomAD compares: East Asian, 0.58%; 7 homozygotes.

Submission:

PreventionGenetics, part of Exact Sciences
Classification: Likely benign for SLC22A25-related condition. Last evaluated: 2022-05-16. Review status: no assertion criteria provided. Collection method: clinical testing. Allele origin: germline.
Comment: This variant is classified as likely benign based on ACMG/AMP sequence variant interpretation guidelines (Richards et al. 2015 PMID: 25741868, with internal and published modifications).

NM_199352.6(SLC22A25):c.260A>T (p.Lys87Met)

Gene: SLC22A25 (solute carrier family 22 member 25; minus strand). Cytogenetic location: 11q12.3.
Variant type: single nucleotide variant.
Coding change: c.260A>T on transcript NM_199352.6 (MANE Select); coding-DNA position 260, A replaced by T.
Protein change: p.Lys87Met; replaces lysine 87 with methionine.
Molecular consequence: missense variant.
Genome position (GRCh38, 1-based): chr11:63,229,393, T>A on the plus strand (A>T on the coding strand, the complement: SLC22A25 is on the minus strand). VCF-style: chr11-63229393-T-A. GRCh37 (hg19) VCF-style: chr11-62996865-T-A.
Other names: c.260A>T, p.Lys87Met (NM_001394058.1, NM_001394059.1); short protein forms K87M.
Identifiers: ClinVar variation 3042459 (VCV003042459.2), dbSNP rs143454012, ClinGen allele CA6060894.
Genomic context (GRCh38, chr11:63,229,393, plus strand): 5'-TTGGGGAAGGTCCCATTCAGATGAATGAGCTTCCACTGGGGATGGACAAAGCGACGACAC[T>A]TCTCTGGCCTCAGATTTGAGTCGAATGGGATGGAGATTCTCAGGAGGGCATCCTGGCTGA-3'
Protein context (NP_955384.3, residues 77-97): IPFDSNLRPE[Lys87Met]CRRFVHPQWK